The following is an entry in ClinVar:

ClinVar aggregate classification (germline): Uncertain significance (1 of 4 stars; one submission).

Conditions:
Fanconi anemia (FA). Also called: Fanconi's anemia. Identifiers: Orphanet 84, MedGen C0015625, MeSH D005199, MONDO:0019391.

Submission:

Labcorp Genetics (formerly Invitae), Labcorp
Classification: Uncertain significance for Fanconi anemia. Last evaluated: 2022-08-16. Review status: criteria provided, single submitter. Criteria: Invitae Variant Classification Sherloc (09022015). Collection method: clinical testing. Allele origin: germline.
Comment: A copy number gain of the genomic region encompassing the full coding sequence of the FANCM gene has been identified. The boundaries of this event are unknown as they extend beyond the assayed region for this gene and therefore may encompass additional genes. As the precise location of this event is unknown, it may be in tandem or it may be located elsewhere in the genome. This variant has not been reported in the literature in individuals affected with FANCM-related conditions. In summary, the available evidence is currently insufficient to determine the role of this variant in disease. Therefore, it has been classified as a Variant of Uncertain Significance.

NC_000014.8:g.(?_45605235)_(45669211_?)dup

Gene: FANCM (FA complementation group M; plus strand). Cytogenetic location: 14q21.2.
Variant type: Duplication.
Identifiers: ClinVar variation 1443285 (VCV001443285.4).